The following is an entry in ClinVar:

ClinVar aggregate classification (germline): Conflicting classifications of pathogenicity. Review status: criteria provided, conflicting classifications (1 of 4 stars). 9 submissions from 9 submitters: Uncertain significance (8); Likely benign (1). Last evaluated 2026-01-05.

Conditions:
CEBPA-related disorder. Also called: CEBPA-related condition.
Hereditary cancer-predisposing syndrome. Also called: Hereditary Cancer Syndrome; Tumor predisposition; Neoplastic Syndromes, Hereditary; Hereditary neoplastic syndrome. Identifiers: Orphanet 140162, MedGen C0027672, MeSH D009386, MONDO:0015356.
Acute myeloid leukemia (AML). Also called: Leukemia, acute myeloid, somatic; Leukemia, acute myelogenous, somatic; Acute myeloid leukemia, adult; AML adult; Acute non-lymphocytic leukemia; Acute granulocytic leukemia. Identifiers: Orphanet 519, MedGen C0023467, MeSH D015470, MONDO:0018874, OMIM 601626, HP:0004808. Disease mechanism: Constitutively activated FLT3.
Inborn genetic diseases. Identifiers: MedGen C0950123, MeSH D030342.

Allele frequency attached by ClinVar (database versions not stated): gnomAD exomes 0.00007; TOPMed 0.00023; gnomAD 0.00028 and 0.00029; 1000 Genomes Project 30x 0.00047.

Submissions (9):

Labcorp Genetics (formerly Invitae), Labcorp
Classification: Uncertain significance for Acute myeloid leukemia. Last evaluated: 2026-01-05. Review status: criteria provided, single submitter. Criteria: Invitae Variant Classification Sherloc (09022015). Collection method: clinical testing. Allele origin: germline.
Comment: This sequence change replaces glycine, which is neutral and non-polar, with arginine, which is basic and polar, at codon 122 of the CEBPA protein (p.Gly122Arg). This variant is present in population databases (no rsID available, gnomAD 0.09%), and has an allele count higher than expected for a pathogenic variant. This variant has not been reported in the literature in individuals affected with CEBPA-related conditions. ClinVar contains an entry for this variant (Variation ID: 526801). Invitae Evidence Modeling of protein sequence and biophysical properties (such as structural, functional, and spatial information, amino acid conservation, physicochemical variation, residue mobility, and thermodynamic stability) indicates that this missense variant is not expected to disrupt CEBPA protein function with a negative predictive value of 80%. In summary, the available evidence is currently insufficient to determine the role of this variant in disease. Therefore, it has been classified as a Variant of Uncertain Significance.

Ambry Genetics
Classification: Likely benign for Inborn genetic diseases. Last evaluated: 2024-11-18. Review status: criteria provided, single submitter. Criteria: Ambry Variant Classification Scheme 2023. Collection method: clinical testing. Allele origin: germline.

GeneDx
Classification: Uncertain significance. Last evaluated: 2024-10-27. Review status: criteria provided, single submitter. Criteria: GeneDx Variant Classification Process June 2021. Collection method: clinical testing. Allele origin: germline.
Comment: In silico analysis indicates that this missense variant does not alter protein structure/function; Has not been previously published as pathogenic or benign to our knowledge; This variant is associated with the following publications: (PMID: 33179473)

PreventionGenetics, part of Exact Sciences
Classification: Uncertain significance for CEBPA-related condition. Last evaluated: 2024-10-17. Review status: criteria provided, single submitter. Criteria: ACMG Guidelines, 2015. Collection method: clinical testing. Allele origin: germline.
Comment: The CEBPA c.364G>C variant is predicted to result in the amino acid substitution p.Gly122Arg. To our knowledge, this variant has not been reported in the literature. This variant is reported in 0.086% of alleles in individuals of African descent in gnomAD, and it is documented as a variant of uncertain significance by multiple labs in the ClinVar database. Although we suspect that this variant may be benign, at this time, the clinical significance of this variant is uncertain due to the absence of conclusive functional and genetic evidence.

Baylor Genetics
Classification: Uncertain significance for Acute myeloid leukemia. Last evaluated: 2023-05-19. Review status: criteria provided, single submitter. Criteria: ACMG Guidelines, 2015. Collection method: clinical testing. Allele origin: unknown.

Fulgent Genetics
Classification: Uncertain significance for Acute myeloid leukemia. Last evaluated: 2022-04-15. Review status: criteria provided, single submitter. Criteria: ACMG Guidelines, 2015. Collection method: clinical testing. Allele origin: unknown.

Sema4
Classification: Uncertain significance for Hereditary cancer-predisposing syndrome. Last evaluated: 2021-05-30. Review status: criteria provided, single submitter. Criteria: Sema4 Curation Guidelines. Collection method: curation. Allele origin: germline.
Comment: The CEBPA c.364G>C (p.G122R) variant has been reported in at least one individual with idiopathic cytopenia, although it is unclear if the variant is of germline or somatic origin (PMID: 33179473). It was observed in 7/8150 chromosomes of the African/African American subpopulation in the large and broad cohorts of the Genome Aggregation Database (PMID: 32461654). The variant has been reported in ClinVar (Variation ID 526801). In silico tools suggest the impact of the variant on protein function is benign, though these predictions have not been confirmed by functional studies. The evidence is insufficient to meet ACMG/AMP criteria for classifying the variant as benign or pathogenic. Thus, the clinical significance of this variant is currently uncertain.

Genetic Services Laboratory, University of Chicago
Classification: Uncertain significance. Last evaluated: 2020-08-17. Review status: criteria provided, single submitter. Criteria: ACMG Guidelines, 2015. Collection method: clinical testing. Allele origin: germline. Affected: no.
Comment: DNA sequence analysis of the CEBPA gene demonstrated a sequence change, c.364G>C, in exon 1 that results in an amino acid change, p.Gly122Arg. This sequence change does not appear to have been previously described in patients with CEBPA-related disorders and has been described in the gnomAD database with a frequency of 0.086% in the African sub-population (dbSNP rs1013724730). The p.Gly122Arg change affects a poorly conserved amino acid residue located in a domain of the CEBPA protein that is known to be functional. The p.Gly122Arg substitution appears to be benign using several in-silico pathogenicity prediction tools (SIFT, PolyPhen2, Align GVGD, REVEL). Due to these contrasting evidences and the lack of functional studies, the clinical significance of the p.Gly122Arg change remains unknown at this time.

Revvity Omics, Revvity
Classification: Uncertain significance for Acute myeloid leukemia. Last evaluated: 2019-11-26. Review status: criteria provided, single submitter. Criteria: ACMG Guidelines, 2015. Collection method: clinical testing. Allele origin: germline.

Literature cited by the submitters: PubMed 33179473 (cited by Sema4).

NM_004364.5(CEBPA):c.364G>C (p.Gly122Arg)

Gene: CEBPA (CCAAT enhancer binding protein alpha; minus strand). Cytogenetic location: 19q13.11.
Variant type: single nucleotide variant.
Coding change: c.364G>C on transcript NM_004364.5 (MANE Select); coding-DNA position 364, G replaced by C.
Protein change: p.Gly122Arg; replaces glycine 122 with arginine.
Molecular consequence: missense variant.
Genome position (GRCh38, 1-based): chr19:33,302,051, C>G on the plus strand (G>C on the coding strand, the complement: CEBPA is on the minus strand). VCF-style: chr19-33302051-C-G. GRCh37 (hg19) VCF-style: chr19-33792957-C-G.
Other names: c.7G>C, p.Gly3Arg (NM_001285829.2); c.469G>C, p.Gly157Arg (NM_001287424.2); c.322G>C, p.Gly108Arg (NM_001287435.2); short protein forms G122R, G108R, G3R, G157R.
Identifiers: ClinVar variation 526801 (VCV000526801.24), dbSNP rs1013724730, ClinGen allele CA307844339.